The following is an entry in ClinVar:

NM_033026.6(PCLO):c.12751_12752delinsAT (p.Asp4251Ile)

Gene: PCLO (piccolo presynaptic cytomatrix protein; minus strand). Cytogenetic location: 7q21.11.
Variant type: Indel.
Coding change: c.12751_12752delinsAT on transcript NM_033026.6 (MANE Select); coding-DNA positions 12751 to 12752, GA replaced by AT.
Protein change: p.Asp4251Ile; replaces aspartic acid 4251 with isoleucine.
Molecular consequence: missense variant.
Genome position (GRCh38, 1-based): chr7:82,915,234-82,915,235, TC replaced by AT on the plus strand (GA replaced by AT on the coding strand, the reverse complement: PCLO is on the minus strand). VCF-style: chr7-82915234-TC-AT. GRCh37 (hg19) VCF-style: chr7-82544550-TC-AT.
Other names: c.12751_12752delinsAT, p.Asp4251Ile (NM_014510.3); short protein forms D4251I.
Identifiers: ClinVar variation 1423241 (VCV001423241.5), dbSNP rs2116262595, ClinGen allele CA2573142375.

ClinVar aggregate classification (germline): Uncertain significance (1 of 4 stars; one submission).

Submission:

Labcorp Genetics (formerly Invitae), Labcorp
Classification: Uncertain significance. Last evaluated: 2022-08-11. Review status: criteria provided, single submitter. Criteria: Invitae Variant Classification Sherloc (09022015). Collection method: clinical testing. Allele origin: germline.
Comment: This sequence change replaces aspartic acid, which is acidic and polar, with isoleucine, which is neutral and non-polar, at codon 4251 of the PCLO protein (p.Asp4251Ile). The frequency data for this variant in the population databases is considered unreliable, as metrics indicate poor data quality at this position in the gnomAD database. This variant has not been reported in the literature in individuals affected with PCLO-related conditions. ClinVar contains an entry for this variant (Variation ID: 1423241). Experimental studies and prediction algorithms are not available or were not evaluated, and the functional significance of this variant is currently unknown. In summary, the available evidence is currently insufficient to determine the role of this variant in disease. Therefore, it has been classified as a Variant of Uncertain Significance.